The following is an entry in ClinVar:

ClinVar aggregate classification (germline): Benign/Likely benign. Review status: criteria provided, multiple submitters, no conflicts (2 of 4 stars). 7 submissions from 7 submitters: Benign (1); Likely benign (6). Last evaluated 2025-12-21.

Conditions:
Hereditary cancer-predisposing syndrome. Also called: Neoplastic Syndromes, Hereditary; Tumor predisposition; Hereditary Cancer Syndrome; Hereditary neoplastic syndrome. Identifiers: Orphanet 140162, MedGen C0027672, MeSH D009386, MONDO:0015356.
Lynch syndrome 4 (LYNCH4). Also called: Colorectal cancer, hereditary nonpolyposis, type 4; Hereditary non-polyposis colorectal cancer, type 4. Identifiers: Orphanet 144, MedGen C1838333, MONDO:0013699, OMIM 614337. Disease mechanism: loss of function.
Hereditary nonpolyposis colorectal neoplasms. Identifiers: MedGen C0009405, MeSH D003123.

gnomAD v4.1: 6 of 1,610,974 alleles (0.00037%); highest among the groups gnomAD compares: Middle Eastern, 0.023%; no homozygotes.

Submissions (7):

Labcorp Genetics (formerly Invitae), Labcorp
Classification: Likely benign for Hereditary nonpolyposis colorectal neoplasms. Last evaluated: 2025-12-21. Review status: criteria provided, single submitter. Criteria: Invitae Variant Classification Sherloc (09022015). Collection method: clinical testing. Allele origin: germline.

Myriad Genetics, Inc.
Classification: Benign for Lynch syndrome 4. Last evaluated: 2025-01-24. Review status: criteria provided, single submitter. Criteria: Myriad Autosomal Dominant, Autosomal Recessive and X-Linked Classification Criteria (2023). Collection method: clinical testing. Allele origin: unknown.
Comment: This variant is considered benign. This variant is a silent/synonymous amino acid change and it is not expected to impact splicing.

Women's Health and Genetics/Laboratory Corporation of America, LabCorp
Classification: Likely benign. Last evaluated: 2024-12-06. Review status: criteria provided, single submitter. Criteria: LabCorp Variant Classification Summary - May 2015. Collection method: clinical testing. Allele origin: germline.

GeneDx
Classification: Likely benign. Last evaluated: 2019-09-26. Review status: criteria provided, single submitter. Criteria: GeneDx Variant Classification Process June 2021. Collection method: clinical testing. Allele origin: germline. Affected: yes.
Comment: This variant is associated with the following publications: (PMID: 20205264)

Quest Diagnostics Nichols Institute San Juan Capistrano
Classification: Likely benign. Last evaluated: 2018-12-28. Review status: criteria provided, single submitter. Criteria: Quest Diagnostics criteria. Collection method: clinical testing. Allele origin: germline.

Color Diagnostics, LLC DBA Color Health
Classification: Likely benign for Hereditary cancer-predisposing syndrome. Last evaluated: 2016-09-30. Review status: criteria provided, single submitter. Criteria: ACMG Guidelines, 2015. Collection method: clinical testing. Allele origin: germline.

Ambry Genetics
Classification: Likely benign for Hereditary cancer-predisposing syndrome. Last evaluated: 2015-05-11. Review status: criteria provided, single submitter. Criteria: Ambry Variant Classification Scheme 2023. Collection method: clinical testing. Allele origin: germline.

Literature cited by the submitters: PubMed 20205264 (cited by Women's Health and Genetics/Laboratory Corporation of America, LabCorp and Quest Diagnostics Nichols Institute San Juan Capistrano).

NM_000535.7(PMS2):c.360C>T (p.Val120=)

Gene: PMS2 (PMS1 homolog 2, mismatch repair system component; minus strand). Cytogenetic location: 7p22.1.
Variant type: single nucleotide variant.
Coding change: c.360C>T on transcript NM_000535.7 (MANE Select); coding-DNA position 360, C replaced by T.
Protein change: p.Val120=; no amino-acid change (valine 120 retained).
Molecular consequence: synonymous variant. On other transcripts: 5 prime UTR variant (8), non-coding transcript variant (1).
Genome position (GRCh38, 1-based): chr7:6,002,630, G>A on the plus strand (C>T on the coding strand, the complement: PMS2 is on the minus strand). VCF-style: chr7-6002630-G-A. GRCh37 (hg19) VCF-style: chr7-6042261-G-A.
Other names: c.-46C>T (NM_001322003.2, NM_001322004.2, NM_001322005.2 and 3 more transcripts); c.360C>T, p.Val120= (NM_001322006.2, NM_001322014.2); c.42C>T, p.Val14= (NM_001322007.2, NM_001322008.2); c.-525C>T (NM_001322011.2, NM_001322012.2); c.51C>T, p.Val17= (NM_001322015.2).
Identifiers: ClinVar variation 231623 (VCV000231623.24), dbSNP rs767313783, ClinGen allele CA10578717.